The following is an entry in ClinVar:

ClinVar aggregate classification (germline): Uncertain significance (1 of 4 stars; one submission).

Submission:

Labcorp Genetics (formerly Invitae), Labcorp
Classification: Uncertain significance. Last evaluated: 2024-11-19. Review status: criteria provided, single submitter. Criteria: Invitae Variant Classification Sherloc (09022015). Collection method: clinical testing. Allele origin: germline.
Comment: This sequence change replaces tyrosine, which is neutral and polar, with histidine, which is basic and polar, at codon 1021 of the CFH protein (p.Tyr1021His). This variant is not present in population databases (gnomAD no frequency). This variant has not been reported in the literature in individuals affected with CFH-related conditions. An algorithm developed to predict the effect of missense changes on protein structure and function (PolyPhen-2) suggests that this variant is likely to be tolerated. In summary, the available evidence is currently insufficient to determine the role of this variant in disease. Therefore, it has been classified as a Variant of Uncertain Significance.

NM_000186.4(CFH):c.3061T>C (p.Tyr1021His)

Gene: CFH (complement factor H; plus strand). Cytogenetic location: 1q31.3.
Variant type: single nucleotide variant.
Coding change: c.3061T>C on transcript NM_000186.4 (MANE Select); coding-DNA position 3061, T replaced by C.
Protein change: p.Tyr1021His; replaces tyrosine 1021 with histidine.
Molecular consequence: missense variant.
Genome position (GRCh38, 1-based): chr1:196,741,979, T>C. VCF-style: chr1-196741979-T-C. GRCh37 (hg19) VCF-style: chr1-196711109-T-C.
Other names: short protein forms Y1021H.
Identifiers: ClinVar variation 3725604 (VCV003725604.2).